The following is an entry in ClinVar:

NM_001457.4(FLNB):c.1779G>C (p.Lys593Asn)

Gene: FLNB (filamin B; plus strand). Cytogenetic location: 3p14.3.
Variant type: single nucleotide variant.
Coding change: c.1779G>C on transcript NM_001457.4 (MANE Select); coding-DNA position 1779, G replaced by C.
Protein change: p.Lys593Asn; replaces lysine 593 with asparagine.
Molecular consequence: missense variant.
Genome position (GRCh38, 1-based): chr3:58,106,711, G>C. VCF-style: chr3-58106711-G-C. GRCh37 (hg19) VCF-style: chr3-58092438-G-C.
Other names: c.1779G>C, p.Lys593Asn (NM_001164317.2, NM_001164318.2, NM_001164319.2); short protein forms K593N.
Identifiers: ClinVar variation 5006675 (VCV005006675.2).

ClinVar aggregate classification (germline): Uncertain significance (1 of 4 stars; one submission).

Conditions:
Spondylocarpotarsal synostosis syndrome (SCT). Also called: SPONDYLOCARPOTARSAL SYNDROME; VERTEBRAL FUSION WITH CARPAL COALITION; Spondylocarpotarsal Synostosis Syndrome (FLNB-SCT); Synspondylism congenital; Scoliosis, congenital with unilateral unsegmented bar. Identifiers: Orphanet 3275, MedGen C1848934, MONDO:0010094, OMIM 272460.
Boomerang dysplasia. Identifiers: Orphanet 1263, MedGen C0432201, MONDO:0007208, OMIM 112310.
Atelosteogenesis type I. Also called: SPONDYLOHUMEROFEMORAL HYPOPLASIA; GIANT CELL CHONDRODYSPLASIA; Atelosteogenesis Type 1 (FLNB-AO1). Identifiers: Orphanet 1190, MedGen C0265283, MONDO:0007167, OMIM 108720.
Atelosteogenesis type III. Also called: Atelosteogenesis Type 3 (FLNB-AO3). Identifiers: Orphanet 56305, MedGen C3668942, MONDO:0007168, OMIM 108721.
Larsen syndrome (LRS). Also called: Larsen syndrome (FLNB-LS); Bilateral dislocation of the knees, pes cavus, cylindrically shaped fingers and characteristic facies. Identifiers: Orphanet 503, MedGen C0175778, MONDO:0007875, OMIM 150250. Disease mechanism: loss of function.

Submission:

Juno Genomics, Hangzhou Juno Genomics, Inc
Classification: Uncertain significance for Spondylocarpotarsal synostosis syndrome; Atelosteogenesis type I; Atelosteogenesis type III; Boomerang dysplasia; Larsen syndrome. Review status: criteria provided, single submitter. Criteria: ACMG Guidelines, 2015. Collection method: clinical testing. Allele origin: germline.
Comment: Absent from controls (or at extremely low frequency if recessive) in Genome Aggregation Database.;Missense variant in a gene that has a low rate of benign missense variation.